The following is an entry in ClinVar:

ClinVar aggregate classification (germline): Uncertain significance (1 of 4 stars; one submission).

gnomAD v4.1: 2 of 1,614,188 alleles (0.00012%); highest among the groups gnomAD compares: Non-Finnish European, 0.00017%; no homozygotes.

Submission:

Labcorp Genetics (formerly Invitae), Labcorp
Classification: Uncertain significance. Last evaluated: 2021-12-13. Review status: criteria provided, single submitter. Criteria: Invitae Variant Classification Sherloc (09022015). Collection method: clinical testing. Allele origin: germline.
Comment: This variant has not been reported in the literature in individuals affected with SIAE-related conditions. In summary, the available evidence is currently insufficient to determine the role of this variant in disease. Therefore, it has been classified as a Variant of Uncertain Significance. Algorithms developed to predict the effect of missense changes on protein structure and function (SIFT, PolyPhen-2, Align-GVGD) all suggest that this variant is likely to be disruptive. This variant is not present in population databases (gnomAD no frequency). This sequence change replaces glycine, which is neutral and non-polar, with arginine, which is basic and polar, at codon 348 of the SIAE protein (p.Gly348Arg).

NM_170601.5(SIAE):c.1042G>C (p.Gly348Arg)

Gene: SIAE (sialic acid acetylesterase; minus strand). Cytogenetic location: 11q24.2.
Variant type: single nucleotide variant.
Coding change: c.1042G>C on transcript NM_170601.5 (MANE Select); coding-DNA position 1042, G replaced by C.
Protein change: p.Gly348Arg; replaces glycine 348 with arginine.
Molecular consequence: missense variant.
Genome position (GRCh38, 1-based): chr11:124,639,792, C>G on the plus strand (G>C on the coding strand, the complement: SIAE is on the minus strand). VCF-style: chr11-124639792-C-G. GRCh37 (hg19) VCF-style: chr11-124509688-C-G.
Other names: c.937G>C, p.Gly313Arg (NM_001199922.2); short protein forms G348R, G313R.
Identifiers: ClinVar variation 1406303 (VCV001406303.6), dbSNP rs377298089, ClinGen allele CA383145692.
Genomic context (GRCh38, chr11:124,639,792, plus strand): 5'-CACAGAGATCCATAGCTACAGCCATGAAAGTATTGGGCATCTTTGGGTTGGGGACATAGC[C>G]GAAGTCTGCTGTTTGATGCCAACGGATCTGGGGAAATCCATCGTCTGAGCTCTTCTTAGA-3'
Protein context (NP_733746.1, residues 338-358): QIRWHQTADF[Gly348Arg]YVPNPKMPNT